The following is an entry in ClinVar:

NM_152617.4(RNF168):c.1115C>T (p.Thr372Ile)

Gene: RNF168 (ring finger protein 168; minus strand). Cytogenetic location: 3q29.
Variant type: single nucleotide variant.
Coding change: c.1115C>T on transcript NM_152617.4 (MANE Select); coding-DNA position 1115, C replaced by T.
Protein change: p.Thr372Ile; replaces threonine 372 with isoleucine.
Molecular consequence: missense variant.
Genome position (GRCh38, 1-based): chr3:196,472,420, G>A on the plus strand (C>T on the coding strand, the complement: RNF168 is on the minus strand). VCF-style: chr3-196472420-G-A. GRCh37 (hg19) VCF-style: chr3-196199291-G-A.
Other names: short protein forms T372I.
Identifiers: ClinVar variation 3680598 (VCV003680598.2).

ClinVar aggregate classification (germline): Uncertain significance (1 of 4 stars; one submission).

Submission:

Labcorp Genetics (formerly Invitae), Labcorp
Classification: Uncertain significance. Last evaluated: 2024-12-26. Review status: criteria provided, single submitter. Criteria: Invitae Variant Classification Sherloc (09022015). Collection method: clinical testing. Allele origin: germline.
Comment: This sequence change replaces threonine, which is neutral and polar, with isoleucine, which is neutral and non-polar, at codon 372 of the RNF168 protein (p.Thr372Ile). This variant is not present in population databases (gnomAD no frequency). This variant has not been reported in the literature in individuals affected with RNF168-related conditions. An algorithm developed to predict the effect of missense changes on protein structure and function (PolyPhen-2) suggests that this variant is likely to be tolerated. In summary, the available evidence is currently insufficient to determine the role of this variant in disease. Therefore, it has been classified as a Variant of Uncertain Significance.